The following is an entry in ClinVar:

NM_004974.4(KCNA2):c.*1228G>C

Gene: KCNA2 (potassium voltage-gated channel subfamily A member 2; minus strand). Cytogenetic location: 1p13.3.
Variant type: single nucleotide variant.
Coding change: c.*1228G>C on transcript NM_004974.4 (MANE Select); 1228 bases downstream of the stop codon, G replaced by C.
Molecular consequence: 3 prime UTR variant. On other transcripts: missense variant (1).
Genome position (GRCh38, 1-based): chr1:110,602,055, C>G on the plus strand (G>C on the coding strand, the complement: KCNA2 is on the minus strand). VCF-style: chr1-110602055-C-G. GRCh37 (hg19) VCF-style: chr1-111144677-C-G.
Other names: c.1010G>C, p.Arg337Thr (NM_001204269.2); short protein forms R337T.
Identifiers: ClinVar variation 2638988 (VCV002638988.24), dbSNP rs1460773760, ClinGen allele CA341599201.

ClinVar aggregate classification (germline): Uncertain significance (1 of 4 stars; one submission).

Allele frequency attached by ClinVar (database versions not stated): TOPMed below 0.00001; gnomAD 0.00001.
gnomAD v4.1: 1 of 1,550,364 alleles (0.000065%); highest among the groups gnomAD compares: African/African-American, 0.0014%; no homozygotes.

Submission:

CeGaT Center for Human Genetics Tuebingen
Classification: Uncertain significance. Last evaluated: 2022-04-01. Review status: criteria provided, single submitter. Criteria: CeGaT Center For Human Genetics Tuebingen Variant Classification Criteria Version 2. Collection method: clinical testing. Allele origin: germline. Affected: yes. Observed: 1 variant allele.
Comment: KCNA2: PM2, PP2, BP4